The following is an entry in ClinVar:

ClinVar aggregate classification (germline): Uncertain significance (1 of 4 stars; one submission).

Submission:

Labcorp Genetics (formerly Invitae), Labcorp
Classification: Uncertain significance. Last evaluated: 2025-11-18. Review status: criteria provided, single submitter. Criteria: Invitae Variant Classification Sherloc (09022015). Collection method: clinical testing. Allele origin: germline.
Comment: This sequence change replaces glutamic acid, which is acidic and polar, with isoleucine, which is neutral and non-polar, at codon 1216 of the WHSC1 protein (p.Glu1216Ile). Information on the frequency of this variant in the gnomAD database is not available, as this variant may be reported differently in the database. This variant has not been reported in the literature in individuals affected with WHSC1-related conditions. An algorithm developed to predict the effect of missense changes on protein structure and function (PolyPhen-2) suggests that this variant is likely to be disruptive. In summary, the available evidence is currently insufficient to determine the role of this variant in disease. Therefore, it has been classified as a Variant of Uncertain Significance.

NM_001042424.3(NSD2):c.3646_3647delinsAT (p.Glu1216Ile)

Gene: NSD2 (nuclear receptor binding SET domain protein 2; plus strand). Cytogenetic location: 4p16.3.
Variant type: Indel.
Coding change: c.3646_3647delinsAT on transcript NM_001042424.3 (MANE Select); coding-DNA positions 3646 to 3647, GA replaced by AT.
Protein change: p.Glu1216Ile; replaces glutamic acid 1216 with isoleucine.
Molecular consequence: missense variant.
Genome position (GRCh38, 1-based): chr4:1,976,499-1,976,500, GA replaced by AT. VCF-style: chr4-1976499-GA-AT. GRCh37 (hg19) VCF-style: chr4-1978226-GA-AT.
Other names: c.3646_3647delinsAT, p.Glu1216Ile (NM_001440892.1, NM_133330.3, NM_133331.3 and 1 more transcripts); c.3745_3746delinsAT, p.Glu1249Ile (NM_001440893.1); c.3529_3530delinsAT, p.Glu1177Ile (NM_001440894.1); c.3499_3500delinsAT, p.Glu1167Ile (NM_001440895.1); c.3445_3446delinsAT, p.Glu1149Ile (NM_001440896.1); c.3439_3440delinsAT, p.Glu1147Ile (NM_001440897.1); c.3322_3323delinsAT, p.Glu1108Ile (NM_001440898.1); c.2677_2678delinsAT, p.Glu893Ile (NM_001440899.1, NM_001440900.1); short protein forms E1147I, E1108I, E1167I, E1177I, E1216I, E893I, E1149I, E1249I.
Identifiers: ClinVar variation 4760021 (VCV004760021.1).